The following is an entry in ClinVar:

ClinVar aggregate classification (germline): Pathogenic (1 of 4 stars; one submission).

Conditions:
Charcot-Marie-Tooth disease type 2. Also called: Charcot-Marie-Tooth type 2. Identifiers: Orphanet 64746, MedGen C0270914, MONDO:0018993.

Submissions (2):

Labcorp Genetics (formerly Invitae), Labcorp
Classification: Pathogenic for Charcot-Marie-Tooth disease type 2. Last evaluated: 2025-01-27. Review status: criteria provided, single submitter. Criteria: Invitae Variant Classification Sherloc (09022015). Collection method: clinical testing. Allele origin: germline.
Comment: This sequence change affects a donor splice site in intron 8 of the LMNA gene. It is expected to disrupt RNA splicing. Variants that disrupt the donor or acceptor splice site typically lead to a loss of protein function (PMID: 16199547), and loss-of-function variants in LMNA are known to be pathogenic (PMID: 18585512, 18926329). This variant is not present in population databases (gnomAD no frequency). Disruption of this splice site has been observed in individuals with clinical features of autosomal dominant muscular dystrophy (PMID: 19258295, 20848652, 34240052; internal data). ClinVar contains an entry for this variant (Variation ID: 845815). Algorithms developed to predict the effect of sequence changes on RNA splicing suggest that this variant may disrupt the consensus splice site. For these reasons, this variant has been classified as Pathogenic.

Dr. Peter K. Rogan Lab, Western University
No classification provided (evidence only). Condition: Melanoma. Review status: no classification provided. Collection method: in vitro. Allele origin: not applicable. Functional consequence: retained intron. Not counted in ClinVar's aggregate classification.

Literature cited by the submitters: PubMed 16199547 (cited by Labcorp Genetics (formerly Invitae), Labcorp); PubMed 18585512 (cited by Labcorp Genetics (formerly Invitae), Labcorp); PubMed 18926329 (cited by Labcorp Genetics (formerly Invitae), Labcorp); PubMed 19258295 (cited by Labcorp Genetics (formerly Invitae), Labcorp); PubMed 20848652 (cited by Labcorp Genetics (formerly Invitae), Labcorp); PubMed 34240052 (cited by Labcorp Genetics (formerly Invitae), Labcorp).

NM_170707.4(LMNA):c.1488+1G>T

Gene: LMNA (lamin A/C; plus strand). Cytogenetic location: 1q22.
Variant type: single nucleotide variant.
Coding change: c.1488+1G>T on transcript NM_170707.4 (MANE Select); the canonical splice donor site of the intron after coding-DNA position 1488, G replaced by T.
Molecular consequence: splice donor variant.
Genome position (GRCh38, 1-based): chr1:156,137,029, G>T. VCF-style: chr1-156137029-G-T. GRCh37 (hg19) VCF-style: chr1-156106820-G-T.
Other names: c.1488+1G>T (NM_001406983.1, NM_001282625.2, NM_001406984.1 and 6 more transcripts); c.930+1G>T (NM_001407002.1, NM_001406993.1, NM_001407003.1 and 4 more transcripts); c.864+1G>T (NM_001406999.1, NM_001407000.1, NM_001406994.1 and 1 more transcripts); c.1245+1G>T (NM_001406986.1, NM_001406987.1, NM_001282624.2); c.1152+1G>T (NM_001406989.1, NM_001257374.3, NM_001406998.1); c.1191+1G>T (NM_001406988.1).
Identifiers: ClinVar variation 845815 (VCV000845815.11), dbSNP rs267607640, ClinGen allele CA342822851.